The following is an entry in ClinVar:

NM_002025.4(AFF2):c.3046A>C (p.Thr1016Pro)

Gene: AFF2 (ALF transcription elongation factor 2; plus strand). Cytogenetic location: Xq28.
Variant type: single nucleotide variant.
Coding change: c.3046A>C on transcript NM_002025.4 (MANE Select); coding-DNA position 3046, A replaced by C.
Protein change: p.Thr1016Pro; replaces threonine 1016 with proline.
Molecular consequence: missense variant.
Genome position (GRCh38, 1-based): chrX:148,966,922, A>C. VCF-style: chrX-148966922-A-C. GRCh37 (hg19) VCF-style: chrX-148048452-A-C.
Other names: c.2941A>C, p.Thr981Pro (NM_001169122.2, NM_001169124.2); c.3016A>C, p.Thr1006Pro (NM_001169123.2); c.2929A>C, p.Thr977Pro (NM_001169125.2); c.1969A>C, p.Thr657Pro (NM_001170628.1); short protein forms T1006P, T1016P, T657P, T977P, T981P.
Identifiers: ClinVar variation 1311780 (VCV001311780.2), dbSNP rs2124386181, ClinGen allele CA414511823.
Genomic context (GRCh38, chrX:148,966,922, plus strand): 5'-GTCACTGCTACTGCCATTGTCACCACCACTGTCACAGCTACTGCCACCGCCACGGCCACC[A>C]CCACAACTACTACCACTACCATTTCCACCATCACCTCTACCATCACTACTGGCCTCATGG-3'
Protein context (NP_002016.2, residues 1006-1026): VTATATATAT[Thr1016Pro]TTTTTTISTI

ClinVar aggregate classification (germline): Uncertain significance (1 of 4 stars; one submission).

Submission:

GeneDx
Classification: Uncertain significance. Last evaluated: 2019-12-27. Review status: criteria provided, single submitter. Criteria: GeneDx Variant Classification Process June 2021. Collection method: clinical testing. Allele origin: germline. Affected: yes.
Comment: Not observed in large population cohorts (Lek et al., 2016); In silico analysis, which includes protein predictors and evolutionary conservation, supports that this variant does not alter protein structure/function; Has not been previously published as pathogenic or benign to our knowledge